The following is an entry in ClinVar:

NM_138295.5(PKD1L1):c.5366A>G (p.Glu1789Gly)

Gene: PKD1L1 (polycystin 1 like 1, transient receptor potential channel interacting; minus strand). Cytogenetic location: 7p12.3.
Variant type: single nucleotide variant.
Coding change: c.5366A>G on transcript NM_138295.5 (MANE Select); coding-DNA position 5366, A replaced by G.
Protein change: p.Glu1789Gly; replaces glutamic acid 1789 with glycine.
Molecular consequence: missense variant.
Genome position (GRCh38, 1-based): chr7:47,843,041, T>C on the plus strand (A>G on the coding strand, the complement: PKD1L1 is on the minus strand). VCF-style: chr7-47843041-T-C. GRCh37 (hg19) VCF-style: chr7-47882639-T-C.
Other names: short protein forms E1789G.
Identifiers: ClinVar variation 3056391 (VCV003056391.2), dbSNP rs368140318, ClinGen allele CA4252867.

ClinVar aggregate classification (germline): Uncertain significance (0 of 4 stars; one submission).

Conditions:
PKD1L1-related disorder. Also called: PKD1L1-related condition.

Allele frequency attached by ClinVar (database versions not stated): ExAC 0.00002; gnomAD 0.00003; TOPMed 0.00003; gnomAD exomes 0.00006; ESP Exome Variant Server 0.00008.
gnomAD v4.1: 98 of 1,613,862 alleles (0.0061%); highest among the groups gnomAD compares: Middle Eastern, 0.43%; 1 homozygote.

Submission:

PreventionGenetics, part of Exact Sciences
Classification: Uncertain significance for PKD1L1-related condition. Last evaluated: 2024-08-12. Review status: no assertion criteria provided. Collection method: clinical testing. Allele origin: germline.
Comment: The PKD1L1 c.5366A>G variant is predicted to result in the amino acid substitution p.Glu1789Gly. To our knowledge, this variant has not been reported in the literature. This variant is reported in 0.0098% of alleles in individuals of South Asian descent in gnomAD. At this time, the clinical significance of this variant is uncertain due to the absence of conclusive functional and genetic evidence.